The following is an entry in ClinVar:

ClinVar aggregate classification (germline): Uncertain significance (1 of 4 stars; one submission).

Submission:

Labcorp Genetics (formerly Invitae), Labcorp
Classification: Uncertain significance. Last evaluated: 2022-03-02. Review status: criteria provided, single submitter. Criteria: Invitae Variant Classification Sherloc (09022015). Collection method: clinical testing. Allele origin: germline.
Comment: In summary, the available evidence is currently insufficient to determine the role of this variant in disease. Therefore, it has been classified as a Variant of Uncertain Significance. Algorithms developed to predict the effect of missense changes on protein structure and function (SIFT, PolyPhen-2, Align-GVGD) all suggest that this variant is likely to be tolerated. This variant has not been reported in the literature in individuals affected with AP3B2-related conditions. This variant is not present in population databases (gnomAD no frequency). This sequence change replaces lysine, which is basic and polar, with arginine, which is basic and polar, at codon 43 of the AP3B2 protein (p.Lys43Arg).

NM_001278512.2(AP3B2):c.128A>G (p.Lys43Arg)

Genes: AP3B2 (adaptor related protein complex 3 subunit beta 2; minus strand), CPEB1-AS1 (CPEB1 antisense RNA 1; plus strand). Cytogenetic location: 15q25.2.
Variant type: single nucleotide variant.
Coding change: c.128A>G on transcript NM_001278512.2 (MANE Select); coding-DNA position 128, A replaced by G.
Protein change: p.Lys43Arg; replaces lysine 43 with arginine.
Molecular consequence: missense variant.
Genome position (GRCh38, 1-based): chr15:82,689,439, T>C on the plus strand (A>G on the coding strand, the complement: AP3B2 is on the minus strand). VCF-style: chr15-82689439-T-C. GRCh37 (hg19) VCF-style: chr15-83358191-T-C.
Other names: c.128A>G, p.Lys43Arg (NM_001278511.2, NM_001348440.2, NM_004644.5); short protein forms K43R.
Identifiers: ClinVar variation 1460681 (VCV001460681.6), dbSNP rs2151449514, ClinGen allele CA393302411.
Genomic context (GRCh38, chr15:82,689,439, plus strand): 5'-GCCACAATCCTCTTCATGGCCTCCAGCTTGAGAGAATCCTTGTTGGTGTCCAGCATCTCC[T>C]TCAGGTCATCATGCCTGGTGGGAGGTACAAGAAGTCAGCTGAGGGCACAAGGGTGGGGAT-3'
Protein context (NP_001265441.1, residues 33-53): SSDYKRHDDL[Lys43Arg]EMLDTNKDSL